The following is an entry in ClinVar:

NM_001129.5(AEBP1):c.655del (p.Glu219fs)

Gene: AEBP1 (AE binding protein 1; plus strand). Cytogenetic location: 7p13.
Variant type: Deletion.
Coding change: c.655del on transcript NM_001129.5 (MANE Select); coding-DNA position 655, one base deleted (G; older notation c.655delG).
Protein change: p.Glu219fs; shifts the reading frame from glutamic acid 219.
Molecular consequence: frameshift variant.
Genome position (GRCh38, 1-based): chr7:44,107,498, G deleted; the last of 3 consecutive G bases (chr7:44,107,496-44,107,498); deleting any one gives the same sequence. VCF-style (leftmost placement, unchanged base first): chr7-44107495-CG-C. GRCh37 (hg19) VCF-style: chr7-44147094-CG-C.
Other names: p.Glu219Serfs*73; short protein forms E219fs.
Identifiers: ClinVar variation 1979083 (VCV001979083.5), dbSNP rs775886011, ClinGen allele CA4237543.

ClinVar aggregate classification (germline): Pathogenic/Likely pathogenic. Review status: criteria provided, multiple submitters, no conflicts (2 of 4 stars). 2 submissions from 2 submitters: Pathogenic (1); Likely pathogenic (1). Last evaluated 2024-02-01.

Submissions (2):

Mayo Clinic Laboratories, Mayo Clinic
Classification: Likely pathogenic. Last evaluated: 2024-02-01. Review status: criteria provided, single submitter. Criteria: ACMG Guidelines, 2015. Collection method: clinical testing. Allele origin: germline. Observed: 1 variant allele.
Comment: PM2, PVS1

Labcorp Genetics (formerly Invitae), Labcorp
Classification: Pathogenic. Last evaluated: 2022-07-30. Review status: criteria provided, single submitter. Criteria: Invitae Variant Classification Sherloc (09022015). Collection method: clinical testing. Allele origin: germline.
Comment: This sequence change creates a premature translational stop signal (p.Glu219Serfs*73) in the AEBP1 gene. It is expected to result in an absent or disrupted protein product. Loss-of-function variants in AEBP1 are known to be pathogenic (PMID: 29606302). This variant is present in population databases (rs775886011, gnomAD 0.01%). This variant has not been reported in the literature in individuals affected with AEBP1-related conditions. For these reasons, this variant has been classified as Pathogenic.

Literature cited by the submitters: PubMed 29606302 (cited by Labcorp Genetics (formerly Invitae), Labcorp).